The following is an entry in ClinVar:

NM_001370259.2(MEN1):c.249_266del (p.Ser84_Leu89del)

Gene: MEN1 (menin 1; minus strand). Cytogenetic location: 11q13.1.
Variant type: Deletion.
Coding change: c.249_266del on transcript NM_001370259.2 (MANE Select); coding-DNA positions 249 to 266, 18 bases deleted (GTCTATCATCGCCGCCCT).
Protein change: p.Ser84_Leu89del.
Molecular consequence: inframe deletion. On other transcripts: inframe indel (12).
Genome position (GRCh38, 1-based): chr11:64,809,844-64,809,861, AGGGCGGCGATGATAGAC deleted on the plus strand (GTCTATCATCGCCGCCCT on the coding strand, the reverse complement: MEN1 is on the minus strand); deleting any 18 consecutive bases within chr11:64,809,844-64,809,864 gives the same sequence; the c. name uses the placement nearest the transcript's 3' end. VCF-style (leftmost placement, unchanged base first): chr11-64809843-GAGGGCGGCGATGATAGAC-G. GRCh37 (hg19) VCF-style: chr11-64577315-GAGGGCGGCGATGATAGAC-G.
Other names: c.249_266del, p.Ser84_Leu89del (NM_000244.4, NM_001370251.2, NM_001370260.2 and 9 more transcripts); c.246_263del18, p.Ser84_Leu89del (NM_001407142.1, NM_001407143.1, NM_001407144.1 and 8 more transcripts); c.249_266del18 (NM_130799.2).
Identifiers: ClinVar variation 1792056 (VCV001792056.5), dbSNP rs2497271153, ClinGen allele CA2580084422.
Genomic context (GRCh38, chr11:64,809,843, plus strand): 5'-TTCTCGAGGATAGAGGGACAGGTCGACGGCGCCTCGGATCTGGGCGGTGAAGCGGGCATA[GAGGGCGGCGATGATAGAC>G]AGGTCGGCCACGGGAAAGTAGGTGAGGCCGCCAGGCGGGTCGGGGGCGGGGCTGGGCTGG-3'

ClinVar aggregate classification (germline): Conflicting classifications of pathogenicity. Review status: criteria provided, conflicting classifications (1 of 4 stars). 2 submissions from 2 submitters: Likely pathogenic (1); Uncertain significance (1). Last evaluated 2023-10-17.

Conditions:
Multiple endocrine neoplasia, type 1 (MEN1). Also called: MEA I; MEN I; WERMER SYNDROME; Endocrine adenomatosis multiple; MEN 1. Identifiers: Orphanet 652, MedGen C0025267, MeSH D018761, MONDO:0007540, OMIM 131100.
Hereditary cancer-predisposing syndrome. Also called: Neoplastic Syndromes, Hereditary; Tumor predisposition; Hereditary neoplastic syndrome; Hereditary Cancer Syndrome. Identifiers: Orphanet 140162, MedGen C0027672, MeSH D009386, MONDO:0015356.

Submissions (2):

Ambry Genetics
Classification: Likely pathogenic for Hereditary cancer-predisposing syndrome. Last evaluated: 2023-10-17. Review status: criteria provided, single submitter. Criteria: Ambry Variant Classification Scheme 2023. Collection method: clinical testing. Allele origin: germline.
Comment: The c.249_266del18 variant is located in coding exon 1 of the MEN1 gene. This variant results from an in-frame TCTATCATCGCCGCCCTC deletion at nucleotide positions 249 to 266 and the impacted region is critical for protein function (Ambry internal data). This alteration has been observed in at least one individual with a personal history that is consistent with MEN1-related disease (Ambry internal data). In addition, this alteration is predicted to be deleterious by in silico analysis (Choi Y et al. PLoS ONE. 2012; 7(10):e46688). This variant is considered to be rare based on population cohorts in the Genome Aggregation Database (gnomAD). Based on the majority of available evidence to date, this variant is likely to be pathogenic.

Labcorp Genetics (formerly Invitae), Labcorp
Classification: Uncertain significance for Multiple endocrine neoplasia, type 1. Last evaluated: 2023-10-10. Review status: criteria provided, single submitter. Criteria: Invitae Variant Classification Sherloc (09022015). Collection method: clinical testing. Allele origin: germline.
Comment: This variant, c.249_266del, results in the deletion of 6 amino acid(s) of the MEN1 protein (p.Ser84_Leu89del), but otherwise preserves the integrity of the reading frame. This variant is not present in population databases (gnomAD no frequency). This variant has not been reported in the literature in individuals affected with MEN1-related conditions. ClinVar contains an entry for this variant (Variation ID: 1792056). Experimental studies and prediction algorithms are not available or were not evaluated, and the functional significance of this variant is currently unknown. In summary, the available evidence is currently insufficient to determine the role of this variant in disease. Therefore, it has been classified as a Variant of Uncertain Significance.

Literature cited by the submitters: PubMed 22327296 (cited by Ambry Genetics); PubMed 23056405 (cited by Ambry Genetics).